The following is an entry in ClinVar:

ClinVar aggregate classification (germline): Pathogenic/Likely pathogenic. Review status: criteria provided, multiple submitters, no conflicts (2 of 4 stars). 2 submissions from 2 submitters: Pathogenic (1); Likely pathogenic (1). Last evaluated 2026-08-06.

Conditions:
Cerebellar dysfunction with variable cognitive and behavioral abnormalities (CECBA). Also called: Nonprogressive cerebellar atxia with intellectual disability. Identifiers: Orphanet 314647, MedGen C3553661, MONDO:0013886, OMIM 614756.

Allele frequency attached by ClinVar (database versions not stated): TOPMed below 0.00001.

Submissions (2):

OLLIN Analises Genomicas, OLLIN
Classification: Likely pathogenic for Cerebellar dysfunction with variable cognitive and behavioral abnormalities. Last evaluated: 2026-08-06. Review status: criteria provided, single submitter. Criteria: ACMG Guidelines 2015 PMID 25741868. Collection method: clinical testing. Allele origin: germline. Inheritance: Autosomal dominant inheritance.
Comment: This nonsense variant, located in exon 20 (of 23), is absent from gnomAD and has not been identified in the literature. However, it has been reported in ClinVar (accession VCV001298401.34). This variant introduces a premature stop codon, which is predicted to result in either a truncated protein or degradation of the mRNA via nonsense-mediated decay (NMD). According to the currently available evidence, this variant has been classified as likely pathogenic (PVS1, PM2_P).

CeGaT Center for Human Genetics Tuebingen
Classification: Pathogenic. Last evaluated: 2021-09-01. Review status: criteria provided, single submitter. Criteria: CeGaT Center For Human Genetics Tuebingen Variant Classification Criteria Version 2. Collection method: clinical testing. Allele origin: germline. Affected: yes. Observed: 1 variant allele.

NM_015215.4(CAMTA1):c.4813C>T (p.Arg1605Ter)

Gene: CAMTA1 (calmodulin binding transcription activator 1; plus strand). Cytogenetic location: 1p36.23.
Variant type: single nucleotide variant.
Coding change: c.4813C>T on transcript NM_015215.4 (MANE Select); coding-DNA position 4813, C replaced by T.
Protein change: p.Arg1605Ter; replaces arginine 1605 with a stop codon.
Molecular consequence: nonsense.
Genome position (GRCh38, 1-based): chr1:7,751,322, C>T. VCF-style: chr1-7751322-C-T. GRCh37 (hg19) VCF-style: chr1-7811382-C-T.
Other names: c.4723C>T, p.Arg1575Ter (NM_001349608.2); c.4495C>T, p.Arg1499Ter (NM_001349609.2, NM_001349610.2); c.4405C>T, p.Arg1469Ter (NM_001349612.2); c.1942C>T, p.Arg648Ter (NM_001349613.1); c.1906C>T, p.Arg636Ter (NM_001349614.1, NM_001349615.2, NM_001349616.2); c.1885C>T, p.Arg629Ter (NM_001349617.1, NM_001349618.2); c.1567C>T, p.Arg523Ter (NM_001349619.2, NM_001349620.1, NM_001349621.1 and 1 more transcripts); c.1546C>T, p.Arg516Ter (NM_001349623.1, NM_001349624.3, NM_001349625.2 and 1 more transcripts); short protein forms R1469*, R1499*, R1575*, R1605*, R516*, R523*, R629*, R636*.
Identifiers: ClinVar variation 1298401 (VCV001298401.36), dbSNP rs2096895734, ClinGen allele CA338144409.